The following is an entry in ClinVar:

NM_001042492.3(NF1):c.8412C>T (p.Thr2804=)

Gene: NF1 (neurofibromin 1; plus strand). Cytogenetic location: 17q11.2.
Variant type: single nucleotide variant.
Coding change: c.8412C>T on transcript NM_001042492.3 (MANE Select); coding-DNA position 8412, C replaced by T.
Protein change: p.Thr2804=; no amino-acid change (threonine 2804 retained).
Molecular consequence: synonymous variant.
Genome position (GRCh38, 1-based): chr17:31,374,047, C>T. VCF-style: chr17-31374047-C-T. GRCh37 (hg19) VCF-style: chr17-29701065-C-T.
Other names: c.8349C>T, p.Thr2783= (NM_000267.4).
Identifiers: ClinVar variation 480188 (VCV000480188.18), dbSNP rs1555538531, ClinGen allele CA499353856.

ClinVar aggregate classification (germline): Conflicting classifications of pathogenicity. Review status: criteria provided, conflicting classifications (1 of 4 stars). 4 submissions from 4 submitters: Uncertain significance (1); Benign (1); Likely benign (2). Last evaluated 2026-05-22.

Conditions:
Hereditary cancer-predisposing syndrome. Also called: Hereditary neoplastic syndrome; Neoplastic Syndromes, Hereditary; Hereditary Cancer Syndrome; Tumor predisposition. Identifiers: Orphanet 140162, MedGen C0027672, MeSH D009386, MONDO:0015356.
Cardiovascular phenotype. Identifiers: MedGen CN230736.
Neurofibromatosis, type 1 (NF1). Also called: Peripheral type neurofibromatosis; Neurofibromatosis, type I; VON RECKLINGHAUSEN DISEASE; NEUROFIBROMATOSIS, TYPE I, SOMATIC. Identifiers: Orphanet 636, MedGen C0027831, MONDO:0018975, OMIM 162200. Disease mechanism: loss of function.

Submissions (4):

Myriad Genetics, Inc.
Classification: Benign for Neurofibromatosis, type 1. Last evaluated: 2026-05-22. Review status: criteria provided, single submitter. Criteria: Myriad Autosomal Dominant, Autosomal Recessive and X-Linked Classification Criteria (2023). Collection method: clinical testing. Allele origin: unknown.
Comment: This variant is considered benign. This variant is a silent/synonymous amino acid change and it is not expected to impact splicing.

Labcorp Genetics (formerly Invitae), Labcorp
Classification: Likely benign for Neurofibromatosis, type 1. Last evaluated: 2025-09-16. Review status: criteria provided, single submitter. Criteria: Invitae Variant Classification Sherloc (09022015). Collection method: clinical testing. Allele origin: germline.

GeneDx
Classification: Uncertain significance. Last evaluated: 2021-03-11. Review status: criteria provided, single submitter. Criteria: GeneDx Variant Classification Process June 2021. Collection method: clinical testing. Allele origin: germline. Affected: yes.
Comment: Not observed in large population cohorts (Lek et al., 2016); In silico analysis supports that this variant does not alter splicing; Has not been previously published as pathogenic or benign to our knowledge

Ambry Genetics
Classification: Likely benign for Cardiovascular phenotype; Hereditary cancer-predisposing syndrome. Last evaluated: 2017-02-02. Review status: criteria provided, single submitter. Criteria: Ambry Variant Classification Scheme 2023. Collection method: clinical testing. Allele origin: germline.